The following is an entry in ClinVar:

NM_001042492.3(NF1):c.1915A>C (p.Asn639His)

Gene: NF1 (neurofibromin 1; plus strand). Cytogenetic location: 17q11.2.
Variant type: single nucleotide variant.
Coding change: c.1915A>C on transcript NM_001042492.3 (MANE Select); coding-DNA position 1915, A replaced by C.
Protein change: p.Asn639His; replaces asparagine 639 with histidine.
Molecular consequence: missense variant.
Genome position (GRCh38, 1-based): chr17:31,225,164, A>C. VCF-style: chr17-31225164-A-C. GRCh37 (hg19) VCF-style: chr17-29552182-A-C.
Other names: c.1915A>C, p.Asn639His (NM_000267.4); short protein forms N639H.
Identifiers: ClinVar variation 2118441 (VCV002118441.4), dbSNP rs2144026692, ClinGen allele CA399005287.

ClinVar aggregate classification (germline): Uncertain significance (1 of 4 stars; one submission).

Conditions:
Neurofibromatosis, type 1 (NF1). Also called: NEUROFIBROMATOSIS, TYPE I, SOMATIC; Neurofibromatosis, type I; Peripheral type neurofibromatosis; VON RECKLINGHAUSEN DISEASE. Identifiers: Orphanet 636, MedGen C0027831, MONDO:0018975, OMIM 162200. Disease mechanism: loss of function.

Submission:

Labcorp Genetics (formerly Invitae), Labcorp
Classification: Uncertain significance for Neurofibromatosis, type 1. Last evaluated: 2022-11-08. Review status: criteria provided, single submitter. Criteria: Invitae Variant Classification Sherloc (09022015). Collection method: clinical testing. Allele origin: germline.
Comment: In summary, the available evidence is currently insufficient to determine the role of this variant in disease. Therefore, it has been classified as a Variant of Uncertain Significance. Advanced modeling of protein sequence and biophysical properties (such as structural, functional, and spatial information, amino acid conservation, physicochemical variation, residue mobility, and thermodynamic stability) performed at Invitae indicates that this missense variant is not expected to disrupt NF1 protein function. This variant has not been reported in the literature in individuals affected with NF1-related conditions. This variant is not present in population databases (gnomAD no frequency). This sequence change replaces asparagine, which is neutral and polar, with histidine, which is basic and polar, at codon 639 of the NF1 protein (p.Asn639His).